The following is an entry in ClinVar:

NM_004586.3(RPS6KA3):c.1469A>G (p.Tyr490Cys)

Gene: RPS6KA3 (ribosomal protein S6 kinase A3; minus strand). Cytogenetic location: Xp22.12.
Variant type: single nucleotide variant.
Coding change: c.1469A>G on transcript NM_004586.3 (MANE Select); coding-DNA position 1469, A replaced by G.
Protein change: p.Tyr490Cys; replaces tyrosine 490 with cysteine.
Molecular consequence: missense variant.
Genome position (GRCh38, 1-based): chrX:20,167,722, T>C on the plus strand (A>G on the coding strand, the complement: RPS6KA3 is on the minus strand). VCF-style: chrX-20167722-T-C. GRCh37 (hg19) VCF-style: chrX-20185840-T-C.
Other names: c.1385A>G, p.Tyr462Cys (NM_001438340.1); short protein forms Y462C, Y490C.
Identifiers: ClinVar variation 4996233 (VCV004996233.1).

ClinVar aggregate classification (germline): Uncertain significance (1 of 4 stars; one submission).

Conditions:
RPS6KA3-related disorder. Also called: RPS6KA3-related condition.

Submission:

PreventionGenetics, part of Exact Sciences
Classification: Uncertain significance for RPS6KA3-related condition. Last evaluated: 2025-12-05. Review status: criteria provided, single submitter. Criteria: ACMG Guidelines, 2015. Collection method: clinical testing. Allele origin: germline.
Comment: The RPS6KA3 c.1469A>G variant is predicted to result in the amino acid substitution p.Tyr490Cys. To our knowledge, this variant has not been reported in the literature or in a large population database (gnomAD), indicating this variant is rare. At this time, the clinical significance of this variant is uncertain due to the absence of conclusive functional and genetic evidence.